The following is an entry in ClinVar:

ClinVar aggregate classification (germline): Uncertain significance (1 of 4 stars; one submission).

Conditions:
Brown-Vialetto-van Laere syndrome 1. Also called: BROWN-VIALETTO-VAN LAERE SYNDROME 1, MILD; BULBAR PALSY, PROGRESSIVE, WITH SENSORINEURAL DEAFNESS; PONTOBULBAR PALSY WITH DEAFNESS. Identifiers: Orphanet 572550, Orphanet 97229, MedGen C0796274, MONDO:0024537, OMIM 211530.

Allele frequency attached by ClinVar (database versions not stated): gnomAD exomes below 0.00001.
gnomAD v4.1: 2 of 1,614,080 alleles (0.00012%); highest among the groups gnomAD compares: Non-Finnish European, 0.00017%; no homozygotes.

Submission:

Labcorp Genetics (formerly Invitae), Labcorp
Classification: Uncertain significance for Brown-Vialetto-van Laere syndrome 1. Last evaluated: 2022-09-20. Review status: criteria provided, single submitter. Criteria: Invitae Variant Classification Sherloc (09022015). Collection method: clinical testing. Allele origin: germline.
Comment: This sequence change replaces phenylalanine, which is neutral and non-polar, with cysteine, which is neutral and slightly polar, at codon 224 of the SLC52A3 protein (p.Phe224Cys). This variant is present in population databases (rs797045197, gnomAD 0.0009%). This variant has not been reported in the literature in individuals affected with SLC52A3-related conditions. Advanced modeling of protein sequence and biophysical properties (such as structural, functional, and spatial information, amino acid conservation, physicochemical variation, residue mobility, and thermodynamic stability) performed at Invitae indicates that this missense variant is expected to disrupt SLC52A3 protein function. In summary, the available evidence is currently insufficient to determine the role of this variant in disease. Therefore, it has been classified as a Variant of Uncertain Significance.

NM_033409.4(SLC52A3):c.671T>G (p.Phe224Cys)

Gene: SLC52A3 (solute carrier family 52 member 3; minus strand). Cytogenetic location: 20p13.
Variant type: single nucleotide variant.
Coding change: c.671T>G on transcript NM_033409.4 (MANE Select); coding-DNA position 671, T replaced by G.
Protein change: p.Phe224Cys; replaces phenylalanine 224 with cysteine.
Molecular consequence: missense variant.
Genome position (GRCh38, 1-based): chr20:763,900, A>C on the plus strand (T>G on the coding strand, the complement: SLC52A3 is on the minus strand). VCF-style: chr20-763900-A-C. GRCh37 (hg19) VCF-style: chr20-744544-A-C.
Other names: c.671T>G, p.Phe224Cys (NM_001370085.1, NM_001370086.1); short protein forms F224C.
Identifiers: ClinVar variation 1719869 (VCV001719869.5), dbSNP rs797045197, ClinGen allele CA347003.